The following is an entry in ClinVar:

NM_000152.5(GAA):c.2486C>G (p.Pro829Arg)

Gene: GAA (alpha glucosidase; plus strand). Cytogenetic location: 17q25.3.
Variant type: single nucleotide variant.
Coding change: c.2486C>G on transcript NM_000152.5 (MANE Select); coding-DNA position 2486, C replaced by G.
Protein change: p.Pro829Arg; replaces proline 829 with arginine.
Molecular consequence: missense variant.
Genome position (GRCh38, 1-based): chr17:80,118,197, C>G. VCF-style: chr17-80118197-C-G. GRCh37 (hg19) VCF-style: chr17-78091996-C-G.
Other names: c.2486C>G, p.Pro829Arg (NM_001079803.3, NM_001079804.3); short protein forms P829R.
Identifiers: ClinVar variation 1375517 (VCV001375517.7), dbSNP rs778187006, ClinGen allele CA401325952.

ClinVar aggregate classification (germline): Uncertain significance (1 of 4 stars; one submission).

Conditions:
Glycogen storage disease, type II (IOPD). Also called: CARDIOMEGALIA GLYCOGENICA DIFFUSA; GLYCOGENOSIS, GENERALIZED, CARDIAC FORM; GSD II; POMPE DISEASE, INFANTILE-ONSET; GLYCOGEN STORAGE DISEASE II, INFANTILE-ONSET; ACID ALPHA-GLUCOSIDASE DEFICIENCY, INFANTILE-ONSET. Identifiers: Orphanet 365, MedGen C0017921, MONDO:0009290, OMIM 232300.

Submission:

Labcorp Genetics (formerly Invitae), Labcorp
Classification: Uncertain significance for Glycogen storage disease, type II. Last evaluated: 2025-04-01. Review status: criteria provided, single submitter. Criteria: Invitae Variant Classification Sherloc (09022015). Collection method: clinical testing. Allele origin: germline.
Comment: This sequence change replaces proline, which is neutral and non-polar, with arginine, which is basic and polar, at codon 829 of the GAA protein (p.Pro829Arg). This variant is not present in population databases (gnomAD no frequency). This variant has not been reported in the literature in individuals affected with GAA-related conditions. ClinVar contains an entry for this variant (Variation ID: 1375517). Invitae Evidence Modeling of protein sequence and biophysical properties (such as structural, functional, and spatial information, amino acid conservation, physicochemical variation, residue mobility, and thermodynamic stability) indicates that this missense variant is expected to disrupt GAA protein function with a positive predictive value of 95%. In summary, the available evidence is currently insufficient to determine the role of this variant in disease. Therefore, it has been classified as a Variant of Uncertain Significance.